The following is an entry in ClinVar:

ClinVar aggregate classification (germline): Uncertain significance (1 of 4 stars; one submission).

Conditions:
Brugada syndrome 5 (BRGDA5). Identifiers: Orphanet 130, Orphanet 871, MedGen C2748541, MONDO:0013015, OMIM 612838.

Submission:

Labcorp Genetics (formerly Invitae), Labcorp
Classification: Uncertain significance for Brugada syndrome 5. Last evaluated: 2023-06-18. Review status: criteria provided, single submitter. Criteria: Invitae Variant Classification Sherloc (09022015). Collection method: clinical testing. Allele origin: germline.
Comment: In summary, the available evidence is currently insufficient to determine the role of this variant in disease. Therefore, it has been classified as a Variant of Uncertain Significance. This sequence change replaces serine, which is neutral and polar, with tyrosine, which is neutral and polar, at codon 211 of the SCN1B protein (p.Ser211Tyr). This variant is not present in population databases (gnomAD no frequency). This variant has not been reported in the literature in individuals affected with SCN1B-related conditions. An algorithm developed to predict the effect of missense changes on protein structure and function (PolyPhen-2) suggests that this variant is likely to be tolerated.

NM_001037.5(SCN1B):c.448+184C>A

Gene: SCN1B (sodium voltage-gated channel beta subunit 1; plus strand). Cytogenetic location: 19q13.11.
Variant type: single nucleotide variant.
Coding change: c.448+184C>A on transcript NM_001037.5 (MANE Select); 184 bases into the intron after coding-DNA position 448, C replaced by A.
Molecular consequence: intron variant. On other transcripts: missense variant (1).
Genome position (GRCh38, 1-based): chr19:35,033,923, C>A. VCF-style: chr19-35033923-C-A. GRCh37 (hg19) VCF-style: chr19-35524827-C-A.
Other names: c.632C>A, p.Ser211Tyr (NM_199037.5); c.349+184C>A (NM_001321605.2); short protein forms S211Y.
Identifiers: ClinVar variation 2718773 (VCV002718773.3), dbSNP rs1600365265, ClinGen allele CA405329526.
Genomic context (GRCh38, chr19:35,033,923, plus strand): 5'-GGGCTGAGGGGGAGGGGAGCAGCCCCTCCTGCCCACTCCAGCTCTGGCCTCTGTTTCTCT[C>A]CAGCCCACGGAGAGGTCAAAGCATGCCTGTCCCCCACAGACGCTCCGGGTACAGAACCCA-3'